The following is an entry in ClinVar:

NM_005670.4(EPM2A):c.569T>A (p.Met190Lys)

Gene: EPM2A (EPM2A glucan phosphatase, laforin; minus strand). Cytogenetic location: 6q24.3.
Variant type: single nucleotide variant.
Coding change: c.569T>A on transcript NM_005670.4 (MANE Select); coding-DNA position 569, T replaced by A.
Protein change: p.Met190Lys; replaces methionine 190 with lysine.
Molecular consequence: missense variant. On other transcripts: intron variant (1).
Genome position (GRCh38, 1-based): chr6:145,635,394, A>T on the plus strand (T>A on the coding strand, the complement: EPM2A is on the minus strand). VCF-style: chr6-145635394-A-T. GRCh37 (hg19) VCF-style: chr6-145956530-A-T.
Other names: c.569T>A, p.Met190Lys (NM_001018041.2, NM_001368130.1); c.155T>A, p.Met52Lys (NM_001360064.2, NM_001360071.2, NM_001368131.1); c.107T>A, p.Met36Lys (NM_001368129.2, NM_001368132.1); c.477-7701T>A (NM_001360057.2); short protein forms M190K, M36K, M52K.
Identifiers: ClinVar variation 531808 (VCV000531808.8), dbSNP rs191406622, ClinGen allele CA4035140.

ClinVar aggregate classification (germline): Uncertain significance (1 of 4 stars; one submission).

Conditions:
Progressive myoclonic epilepsy. Also called: Familial progressive myoclonic epilepsy; Myoclonic Epilepsies, Progressive; Progressive myoclonus epilepsy; Myoclonus epilepsy. Identifiers: Orphanet 308, Orphanet 98261, MedGen C0751778, MONDO:0020074.

Allele frequency attached by ClinVar (database versions not stated): gnomAD exomes 0.00001; ExAC 0.00001.

Submission:

Labcorp Genetics (formerly Invitae), Labcorp
Classification: Uncertain significance for Progressive myoclonic epilepsy. Last evaluated: 2022-03-19. Review status: criteria provided, single submitter. Criteria: Invitae Variant Classification Sherloc (09022015). Collection method: clinical testing. Allele origin: germline.
Comment: This sequence change replaces methionine, which is neutral and non-polar, with lysine, which is basic and polar, at codon 190 of the EPM2A protein (p.Met190Lys). This variant is present in population databases (rs191406622, gnomAD 0.006%). This variant has not been reported in the literature in individuals affected with EPM2A-related conditions. ClinVar contains an entry for this variant (Variation ID: 531808). Algorithms developed to predict the effect of missense changes on protein structure and function (SIFT, PolyPhen-2, Align-GVGD) all suggest that this variant is likely to be disruptive. In summary, the available evidence is currently insufficient to determine the role of this variant in disease. Therefore, it has been classified as a Variant of Uncertain Significance.